The following is an entry in ClinVar:

ClinVar aggregate classification (germline): Uncertain significance (1 of 4 stars; one submission).

Allele frequency attached by ClinVar (database versions not stated): gnomAD exomes below 0.00001.
gnomAD v4.1: 2 of 1,614,090 alleles (0.00012%); highest among the groups gnomAD compares: Non-Finnish European, 0.00017%; no homozygotes.

Submission:

Labcorp Genetics (formerly Invitae), Labcorp
Classification: Uncertain significance. Last evaluated: 2022-05-12. Review status: criteria provided, single submitter. Criteria: Invitae Variant Classification Sherloc (09022015). Collection method: clinical testing. Allele origin: germline.
Comment: This sequence change replaces leucine, which is neutral and non-polar, with serine, which is neutral and polar, at codon 1342 of the NBAS protein (p.Leu1342Ser). This variant is present in population databases (no rsID available, gnomAD 0.0009%). This variant has not been reported in the literature in individuals affected with NBAS-related conditions. Algorithms developed to predict the effect of missense changes on protein structure and function (SIFT, PolyPhen-2, Align-GVGD) all suggest that this variant is likely to be disruptive. In summary, the available evidence is currently insufficient to determine the role of this variant in disease. Therefore, it has been classified as a Variant of Uncertain Significance.

NM_015909.4(NBAS):c.4025T>C (p.Leu1342Ser)

Gene: NBAS (NBAS subunit of NRZ tethering complex; minus strand). Cytogenetic location: 2p24.3.
Variant type: single nucleotide variant.
Coding change: c.4025T>C on transcript NM_015909.4 (MANE Select); coding-DNA position 4025, T replaced by C.
Protein change: p.Leu1342Ser; replaces leucine 1342 with serine.
Molecular consequence: missense variant. On other transcripts: non-coding transcript variant (1).
Genome position (GRCh38, 1-based): chr2:15,353,617, A>G on the plus strand (T>C on the coding strand, the complement: NBAS is on the minus strand). VCF-style: chr2-15353617-A-G. GRCh37 (hg19) VCF-style: chr2-15493741-A-G.
Other names: short protein forms L1342S.
Identifiers: ClinVar variation 1905966 (VCV001905966.2), dbSNP rs1290508497, ClinGen allele CA345889922.
Genomic context (GRCh38, chr2:15,353,617, plus strand): 5'-GTCTGCAGAGAGCTGCTAGCTGCCAAAAGAAGTTCAATGCTGCTAGGAGGGCAATGTGTC[A>G]AAGCAAAAGCCATGAGCTCTTGACGAGTGGCCAAGTCCTGGTAACCTTCTGATTGTCCTA-3'
Protein context (NP_056993.2, residues 1332-1352): ATRQELMAFA[Leu1342Ser]THCPPSSIEL